The following is an entry in ClinVar:

ClinVar aggregate classification (germline): Conflicting classifications of pathogenicity. Review status: criteria provided, conflicting classifications (1 of 4 stars). 2 submissions from 2 submitters: Uncertain significance (1); Benign (1). Last evaluated 2025-07-21.

Conditions:
CHARGE syndrome (CHARGE). Also called: Hittner Hirsch Kreh syndrome; CHARGE ASSOCIATION--COLOBOMA, HEART ANOMALY, CHOANAL ATRESIA, RETARDATION, GENITAL AND EAR ANOMALIES; Coloboma, heart anomaly, choanal atresia, retardation, genital and ear anomalies; CHARGE association; Hall-Hittner syndrome. Identifiers: Orphanet 138, MedGen C0265354, MONDO:0008965.

Allele frequency attached by ClinVar (database versions not stated): gnomAD exomes below 0.00001 and 0.00001; ExAC 0.00001; TOPMed 0.00001; gnomAD 0.00002.
gnomAD v4.1: 10 of 1,613,704 alleles (0.00062%); highest among the groups gnomAD compares: Admixed American, 0.0033%; no homozygotes.

Submissions (2):

Labcorp Genetics (formerly Invitae), Labcorp
Classification: Benign for CHARGE syndrome. Last evaluated: 2025-07-21. Review status: criteria provided, single submitter. Criteria: Invitae Variant Classification Sherloc (09022015). Collection method: clinical testing. Allele origin: germline.

GeneDx
Classification: Uncertain significance. Last evaluated: 2022-07-08. Review status: criteria provided, single submitter. Criteria: GeneDx Variant Classification Process June 2021. Collection method: clinical testing. Allele origin: germline. Affected: yes.
Comment: Reported previously as an unclassified variant in a patient with coloboma, heart defect, ear anomaly and delayed growth and development (Janssen et al., 2012); In silico analysis supports that this missense variant does not alter protein structure/function; This variant is associated with the following publications: (PMID: Bergman2011[Thesis], 22461308)

NM_017780.4(CHD7):c.215A>G (p.Tyr72Cys)

Gene: CHD7 (chromodomain helicase DNA binding protein 7; plus strand). Cytogenetic location: 8q12.2.
Variant type: single nucleotide variant.
Coding change: c.215A>G on transcript NM_017780.4 (MANE Select); coding-DNA position 215, A replaced by G.
Protein change: p.Tyr72Cys; replaces tyrosine 72 with cysteine.
Molecular consequence: missense variant.
Genome position (GRCh38, 1-based): chr8:60,741,647, A>G. VCF-style: chr8-60741647-A-G. GRCh37 (hg19) VCF-style: chr8-61654206-A-G.
Other names: c.215A>G, p.Tyr72Cys (NM_001316690.1); short protein forms Y72C.
Identifiers: ClinVar variation 840916 (VCV000840916.10), dbSNP rs767819417, ClinGen allele CA4759275.